The following is an entry in ClinVar:

ClinVar aggregate classification (germline): Conflicting classifications of pathogenicity. Review status: criteria provided, conflicting classifications (1 of 4 stars). 3 submissions from 3 submitters: Uncertain significance (1); Benign (2). Last evaluated 2026-01-01.

Conditions:
Platelet-type bleeding disorder 10. Also called: CD36 DEFICIENCY. Identifiers: MedGen C1842090, MONDO:0012031, OMIM 608404.

Allele frequency attached by ClinVar (database versions not stated): ESP Exome Variant Server 0.00031; gnomAD 0.00066 and 0.00223; gnomAD exomes 0.00605; ExAC 0.00645; 1000 Genomes Project 30x 0.01031; TOPMed 0.00083; 1000 Genomes Project 0.01118.
gnomAD v4.1: 4,932 of 1,613,184 alleles (0.31%); highest among the groups gnomAD compares: South Asian, 4.1%; 112 homozygotes.

Submissions (3):

CeGaT Center for Human Genetics Tuebingen
Classification: Benign. Last evaluated: 2026-01-01. Review status: criteria provided, single submitter. Criteria: CeGaT Center For Human Genetics Tuebingen Variant Classification Criteria Version 2. Collection method: clinical testing. Allele origin: germline. Affected: yes. Observed: 4 variant alleles.
Comment: CD36: BP4, BP7, BS1, BS2

Labcorp Genetics (formerly Invitae), Labcorp
Classification: Benign. Last evaluated: 2018-05-17. Review status: criteria provided, single submitter. Criteria: Nykamp K et al. (Genet Med 2017). Collection method: clinical testing. Allele origin: germline.

Illumina Laboratory Services, Illumina
Classification: Uncertain significance for Platelet-type bleeding disorder 10. Last evaluated: 2018-01-13. Review status: criteria provided, single submitter. Criteria: ICSL Variant Classification Criteria 13 December 2019. Collection method: clinical testing. Allele origin: germline.

NM_001001548.3(CD36):c.879T>C (p.Phe293=)

Gene: CD36 (CD36 molecule (CD36 blood group); plus strand). Cytogenetic location: 7q21.11.
Variant type: single nucleotide variant.
Coding change: c.879T>C on transcript NM_001001548.3 (MANE Select); coding-DNA position 879, T replaced by C.
Protein change: p.Phe293=; no amino-acid change (phenylalanine 293 retained).
Molecular consequence: synonymous variant.
Genome position (GRCh38, 1-based): chr7:80,671,037, T>C. VCF-style: chr7-80671037-T-C. GRCh37 (hg19) VCF-style: chr7-80300353-T-C.
Other names: c.879T>C, p.Phe293= (NM_000072.3, NM_001001547.3, NM_001127443.2 and 5 more transcripts); c.762T>C, p.Phe254= (NM_001289908.1); c.699T>C, p.Phe233= (NM_001289909.1); c.651T>C, p.Phe217= (NM_001289911.2); c.777T>C, p.Phe259= (NM_001371079.1); c.414T>C, p.Phe138= (NM_001371080.1, NM_001371081.1).
Identifiers: ClinVar variation 908993 (VCV000908993.31), dbSNP rs188717259, ClinGen allele CA4315480.
Genomic context (GRCh38, chr7:80,671,037, plus strand): 5'-GTCAATCTATGCTGTATTTGAATCCGACGTTAATCTGAAAGGAATCCCTGTGTATAGATT[T>C]GTTCTTCCATCCAAGGCCTTTGCCTCTCCAGTTGAAAACCCAGACAACTATTGTTTCTGC-3'
Protein context (NP_001001548.1, residues 283-303): VNLKGIPVYR[Phe293=]VLPSKAFASP